The following is an entry in ClinVar:

NM_016011.5(MECR):c.610G>C (p.Ala204Pro)

Gene: MECR (mitochondrial trans-2-enoyl-CoA reductase; minus strand). Cytogenetic location: 1p35.3.
Variant type: single nucleotide variant.
Coding change: c.610G>C on transcript NM_016011.5 (MANE Select); coding-DNA position 610, G replaced by C.
Protein change: p.Ala204Pro; replaces alanine 204 with proline.
Molecular consequence: missense variant. On other transcripts: non-coding transcript variant (3).
Genome position (GRCh38, 1-based): chr1:29,203,174, C>G on the plus strand (G>C on the coding strand, the complement: MECR is on the minus strand). VCF-style: chr1-29203174-C-G. GRCh37 (hg19) VCF-style: chr1-29529686-C-G.
Other names: c.382G>C, p.Ala128Pro (NM_001024732.4, NM_001349711.2, NM_001349712.2 and 2 more transcripts); c.715G>C, p.Ala239Pro (NM_001349715.2); c.694G>C, p.Ala232Pro (NM_001349716.2); c.460G>C, p.Ala154Pro (NM_001349717.2); short protein forms A128P, A154P, A204P, A232P, A239P.
Identifiers: ClinVar variation 3383900 (VCV003383900.1).
Genomic context (GRCh38, chr1:29,203,174, plus strand): 5'-CCTCCTTCCCCACGCACCTGTCTCGGACCACATTGATGGTTCTTAGGCCCAGGGCTGCGG[C>G]GATCTGGATGACTGCTTGCCCCACTCCGCTGTTGGATGCATTCTGGATGACAGAATCCCC-3'
Protein context (NP_057095.4, residues 194-214): SGVGQAVIQI[Ala204Pro]AALGLRTINV

ClinVar aggregate classification (germline): Uncertain significance (1 of 4 stars; one submission).

gnomAD v4.1: 1 of 1,586,338 alleles (0.000063%); highest among the groups gnomAD compares: Non-Finnish European, 0.000086%; no homozygotes.

Submission:

GeneDx
Classification: Uncertain significance. Last evaluated: 2024-06-01. Review status: criteria provided, single submitter. Criteria: GeneDx Variant Classification Process June 2021. Collection method: clinical testing. Allele origin: germline. Affected: yes.
Comment: Not observed at significant frequency in large population cohorts (gnomAD); In silico analysis supports that this missense variant has a deleterious effect on protein structure/function; Has not been previously published as pathogenic or benign to our knowledge